The following is an entry in ClinVar:

NM_002334.4(LRP4):c.5678_5682del (p.Trp1893fs)

Genes: LRP4-AS1 (LRP4 antisense RNA 1; plus strand), LRP4 (LDL receptor related protein 4; minus strand). Cytogenetic location: 11p11.2.
Variant type: Deletion.
Coding change: c.5678_5682del on transcript NM_002334.4 (MANE Select); coding-DNA positions 5678 to 5682, 5 bases deleted (GGAAA; older notation c.5678_5682delGGAAA).
Protein change: p.Trp1893fs; shifts the reading frame from tryptophan 1893.
Molecular consequence: frameshift variant.
Genome position (GRCh38, 1-based): chr11:46,859,019-46,859,023, TTTCC deleted on the plus strand (GGAAA on the coding strand, the reverse complement: LRP4 is on the minus strand). VCF-style (leftmost placement, unchanged base first): chr11-46859018-GTTTCC-G. GRCh37 (hg19) VCF-style: chr11-46880569-GTTTCC-G.
Other names: short protein forms W1893fs.
Identifiers: ClinVar variation 2933365 (VCV002933365.3), dbSNP rs747021035, ClinGen allele CA5968963.

ClinVar aggregate classification (germline): Uncertain significance (1 of 4 stars; one submission).

Conditions:
Cenani-Lenz syndactyly syndrome. Also called: CENANI SYNDACTYLISM; SYNDACTYLY, TYPE VII. Identifiers: Orphanet 3258, MedGen C1859309, MONDO:0008931, OMIM 212780.
Congenital myasthenic syndrome 17. Identifiers: Orphanet 590, MedGen C4225377, MONDO:0014578, OMIM 616304.
Sclerosteosis 2 (SOST2). Identifiers: Orphanet 3152, MedGen C3280402, MONDO:0013679, OMIM 614305.

Allele frequency attached by ClinVar (database versions not stated): TOPMed below 0.00001; gnomAD 0.00001; ExAC 0.00002.

Submission:

Labcorp Genetics (formerly Invitae), Labcorp
Classification: Uncertain significance for Cenani-Lenz syndactyly syndrome; Sclerosteosis 2; Congenital myasthenic syndrome 17. Last evaluated: 2024-01-22. Review status: criteria provided, single submitter. Criteria: Invitae Variant Classification Sherloc (09022015). Collection method: clinical testing. Allele origin: germline.
Comment: This sequence change creates a premature translational stop signal (p.Trp1893Serfs*2) in the LRP4 gene. While this is not anticipated to result in nonsense mediated decay, it is expected to disrupt the last 13 amino acid(s) of the LRP4 protein. This variant is present in population databases (rs747021035, gnomAD 0.006%). This variant has not been reported in the literature in individuals affected with LRP4-related conditions. Experimental studies and prediction algorithms are not available or were not evaluated, and the functional significance of this variant is currently unknown. In summary, the available evidence is currently insufficient to determine the role of this variant in disease. Therefore, it has been classified as a Variant of Uncertain Significance.